The following is an entry in ClinVar:

NM_001164508.2(NEB):c.10982T>C (p.Ile3661Thr)

Gene: NEB (nebulin; minus strand). Cytogenetic location: 2q23.3.
Variant type: single nucleotide variant.
Coding change: c.10982T>C on transcript NM_001164508.2 (MANE Select); coding-DNA position 10982, T replaced by C.
Protein change: p.Ile3661Thr; replaces isoleucine 3661 with threonine.
Molecular consequence: missense variant.
Genome position (GRCh38, 1-based): chr2:151,618,369, A>G on the plus strand (T>C on the coding strand, the complement: NEB is on the minus strand). VCF-style: chr2-151618369-A-G. GRCh37 (hg19) VCF-style: chr2-152474883-A-G.
Other names: c.10982T>C, p.Ile3661Thr (NM_001164507.2, NM_001271208.2); c.10253T>C, p.Ile3418Thr (NM_004543.5); short protein forms I3418T, I3661T.
Identifiers: ClinVar variation 1443775 (VCV001443775.3), dbSNP rs886940194, ClinGen allele CA57640891.
Genomic context (GRCh38, chr2:151,618,369, plus strand): 5'-ACCTGCTCCGGAGTGTCCGTTATACTGGTAAATTTCAGCGTTTCTGGACGCTGACGGTAG[A>G]TAGTATCACTAAGTAATTCTCCAGCTCTCTTGGCCCTAACAACTTCCAAGGAATCAATCG-3'
Protein context (NP_001157980.2, residues 3651-3671): KRAGELLSDT[Ile3661Thr]YRQRPETLKF

ClinVar aggregate classification (germline): Uncertain significance (1 of 4 stars; one submission).

Conditions:
Nemaline myopathy 2 (NEM2). Also called: Nemaline myopathy 2, autosomal recessive. Identifiers: MedGen C1850569, MONDO:0009725, OMIM 256030.

Allele frequency attached by ClinVar (database versions not stated): gnomAD exomes below 0.00001.
gnomAD v4.1: 4 of 1,613,990 alleles (0.00025%); highest among the groups gnomAD compares: East Asian, 0.0022%; no homozygotes.

Submission:

Labcorp Genetics (formerly Invitae), Labcorp
Classification: Uncertain significance for Nemaline myopathy 2. Last evaluated: 2022-07-26. Review status: criteria provided, single submitter. Criteria: Invitae Variant Classification Sherloc (09022015). Collection method: clinical testing. Allele origin: germline.
Comment: This sequence change replaces isoleucine, which is neutral and non-polar, with threonine, which is neutral and polar, at codon 3661 of the NEB protein (p.Ile3661Thr). This variant is not present in population databases (gnomAD no frequency). This variant has not been reported in the literature in individuals affected with NEB-related conditions. ClinVar contains an entry for this variant (Variation ID: 1443775). Algorithms developed to predict the effect of missense changes on protein structure and function are either unavailable or do not agree on the potential impact of this missense change (SIFT: "Deleterious"; PolyPhen-2: "Not Available"; Align-GVGD: "Class C0"). In summary, the available evidence is currently insufficient to determine the role of this variant in disease. Therefore, it has been classified as a Variant of Uncertain Significance.